The following is an entry in ClinVar:

ClinVar aggregate classification (germline): Uncertain significance (1 of 4 stars; one submission).

Conditions:
Inborn genetic diseases. Identifiers: MedGen C0950123, MeSH D030342.

gnomAD v4.1: 1 of 1,613,520 alleles (0.000062%); highest among the groups gnomAD compares: Non-Finnish European, 0.000085%; no homozygotes.

Submission:

Ambry Genetics
Classification: Uncertain significance for Inborn genetic diseases. Last evaluated: 2026-05-03. Review status: criteria provided, single submitter. Criteria: Ambry Variant Classification Scheme 2023. Collection method: clinical testing. Allele origin: germline.
Comment: The p.L33I variant (also known as c.97C>A), located in coding exon 2 of the BMPR2 gene, results from a C to A substitution at nucleotide position 97. The leucine at codon 33 is replaced by isoleucine, an amino acid with highly similar properties. This amino acid position is conserved. In addition, the in silico prediction for this alteration is inconclusive. Based on the available evidence, the clinical significance of this variant remains unclear.

NM_001204.7(BMPR2):c.97C>A (p.Leu33Ile)

Gene: BMPR2 (bone morphogenetic protein receptor type 2; plus strand). Cytogenetic location: 2q33.1.
Variant type: single nucleotide variant.
Coding change: c.97C>A on transcript NM_001204.7 (MANE Select); coding-DNA position 97, C replaced by A.
Protein change: p.Leu33Ile; replaces leucine 33 with isoleucine.
Molecular consequence: missense variant.
Genome position (GRCh38, 1-based): chr2:202,464,829, C>A. VCF-style: chr2-202464829-C-A. GRCh37 (hg19) VCF-style: chr2-203329552-C-A.
Other names: short protein forms L33I.
Identifiers: ClinVar variation 4867625 (VCV004867625.1).